The following is an entry in ClinVar:

NM_004208.4(AIFM1):c.968-358C>T

Genes: AIFM1 (apoptosis inducing factor mitochondria associated 1; minus strand), RAB33A (RAB33A, member RAS oncogene family; plus strand). Cytogenetic location: Xq26.1.
Variant type: single nucleotide variant.
Coding change: c.968-358C>T on transcript NM_004208.4 (MANE Select); 358 bases into the intron before coding-DNA position 968, C replaced by T.
Molecular consequence: intron variant. On other transcripts: 5 prime UTR variant (1).
Genome position (GRCh38, 1-based): chrX:130,137,543, G>A on the plus strand (C>T on the coding strand, the complement: AIFM1 is on the minus strand). VCF-style: chrX-130137543-G-A. GRCh37 (hg19) VCF-style: chrX-129271518-G-A.
Other names: c.-408C>T (NM_001130846.4); c.956-358C>T (NM_145812.3); c.968-18C>T (NM_001130847.4).
Identifiers: ClinVar variation 136321 (VCV000136321.2), dbSNP rs587780847, ClinGen allele CA289330.

ClinVar aggregate classification (germline): Benign/Likely benign. Review status: criteria provided, multiple submitters, no conflicts (2 of 4 stars). 2 submissions from 2 submitters: Benign (1); Likely benign (1). Last evaluated 2024-08-07.

Allele frequency attached by ClinVar (database versions not stated): TOPMed 0.00018; ExAC 0.00022; gnomAD exomes 0.00025 and 0.00031; gnomAD 0.00026 and 0.00028.
gnomAD v4.1: 350 of 1,163,476 alleles (0.03%); highest among the groups gnomAD compares: Middle Eastern, 0.25%; 2 homozygotes.

Submissions (2):

Blueprint Genetics
Classification: Likely benign. Last evaluated: 2024-08-07. Review status: criteria provided, single submitter. Criteria: ACMG Guidelines, 2015. Collection method: clinical testing. Allele origin: germline.

GeneDx
Classification: Benign. Last evaluated: 2014-05-16. Review status: criteria provided, single submitter. Criteria: GeneDx Variant Classification (06012015). Collection method: clinical testing. Allele origin: germline. Affected: yes.
Comment: This variant is considered likely benign or benign based on one or more of the following criteria: it is a conservative change, it occurs at a poorly conserved position in the protein, it is predicted to be benign by multiple in silico algorithms, and/or has population frequency not consistent with disease.